The following is an entry in ClinVar:

NM_176824.3(BBS7):c.1230+4A>T

Gene: BBS7 (Bardet-Biedl syndrome 7; minus strand). Cytogenetic location: 4q27.
Variant type: single nucleotide variant.
Coding change: c.1230+4A>T on transcript NM_176824.3 (MANE Select); 4 bases into the intron after coding-DNA position 1230, A replaced by T.
Molecular consequence: intron variant.
Genome position (GRCh38, 1-based): chr4:121,845,500, T>A on the plus strand (A>T on the coding strand, the complement: BBS7 is on the minus strand). VCF-style: chr4-121845500-T-A. GRCh37 (hg19) VCF-style: chr4-122766655-T-A.
Other names: c.1230+4A>T (NM_018190.4).
Identifiers: ClinVar variation 4986137 (VCV004986137.1).

ClinVar aggregate classification (germline): Uncertain significance (1 of 4 stars; one submission).

Conditions:
BBS7-related disorder. Also called: BBS7-related condition.

gnomAD v4.1: 3 of 1,607,928 alleles (0.00019%); highest among the groups gnomAD compares: African/African-American, 0.0013%; no homozygotes.

Submission:

PreventionGenetics, part of Exact Sciences
Classification: Uncertain significance for BBS7-related condition. Last evaluated: 2025-08-19. Review status: criteria provided, single submitter. Criteria: ACMG Guidelines, 2015. Collection method: clinical testing. Allele origin: germline.
Comment: The BBS7 c.1230+4A>T variant is predicted to interfere with splicing. This variant is predicted to impact splicing based on splicing prediction programs (SpliceAI, Jaganathan et al. 2019. PubMed ID: 30661751). To our knowledge, this variant has not been reported in the literature or in a large population database (gnomAD), indicating this variant is rare. At this time, the clinical significance of this variant is uncertain due to the absence of conclusive functional and genetic evidence.